The following is an entry in ClinVar:

ClinVar aggregate classification (germline): Uncertain significance (1 of 4 stars; one submission).

Submission:

Ambry Genetics
Classification: Uncertain significance. Last evaluated: 2023-10-21. Review status: criteria provided, single submitter. Criteria: Ambry Variant Classification Scheme 2023. Collection method: clinical testing. Allele origin: germline.
Comment: The p.L1103V variant (also known as c.3307T>G), located in coding exon 16 of the POLQ gene, results from a T to G substitution at nucleotide position 3307. The leucine at codon 1103 is replaced by valine, an amino acid with highly similar properties. This amino acid position is conserved. In addition, this alteration is predicted to be tolerated by in silico analysis. Since supporting evidence is limited at this time, the clinical significance of this alteration remains unclear.

NM_199420.4(POLQ):c.3307T>G (p.Leu1103Val)

Gene: POLQ (DNA polymerase theta; minus strand). Cytogenetic location: 3q13.33.
Variant type: single nucleotide variant.
Coding change: c.3307T>G on transcript NM_199420.4 (MANE Select); coding-DNA position 3307, T replaced by G.
Protein change: p.Leu1103Val; replaces leucine 1103 with valine.
Molecular consequence: missense variant.
Genome position (GRCh38, 1-based): chr3:121,489,624, A>C on the plus strand (T>G on the coding strand, the complement: POLQ is on the minus strand). VCF-style: chr3-121489624-A-C. GRCh37 (hg19) VCF-style: chr3-121208471-A-C.
Other names: short protein forms L1103V.
Identifiers: ClinVar variation 3229927 (VCV003229927.1), dbSNP rs201099908, ClinGen allele CA81836382.